The following is an entry in ClinVar:

NM_001330588.2(TPP2):c.1479A>G (p.Glu493=)

Gene: TPP2 (tripeptidyl peptidase 2; plus strand). Cytogenetic location: 13q33.1.
Variant type: single nucleotide variant.
Coding change: c.1479A>G on transcript NM_001330588.2 (MANE Select); coding-DNA position 1479, A replaced by G.
Protein change: p.Glu493=; no amino-acid change (glutamic acid 493 retained).
Molecular consequence: synonymous variant. On other transcripts: non-coding transcript variant (1).
Genome position (GRCh38, 1-based): chr13:102,635,672, A>G. VCF-style: chr13-102635672-A-G. GRCh37 (hg19) VCF-style: chr13-103288022-A-G.
Other names: c.1479A>G, p.Glu493= (NM_001367947.1, NM_003291.4).
Identifiers: ClinVar variation 1902210 (VCV001902210.5), dbSNP rs760707396, ClinGen allele CA7037746.

ClinVar aggregate classification (germline): Uncertain significance (1 of 4 stars; one submission).

Conditions:
Evans syndrome, immunodeficiency, and premature immunosenescence associated with tripeptidyl-peptidase II deficiency. Identifiers: MedGen CN231723. Disease mechanism: loss of function.

Allele frequency attached by ClinVar (database versions not stated): ExAC 0.00004; gnomAD 0.00004; gnomAD exomes 0.00005.
gnomAD v4.1: 37 of 1,613,170 alleles (0.0023%); highest among the groups gnomAD compares: Non-Finnish European, 0.00025%; no homozygotes.

Submission:

Labcorp Genetics (formerly Invitae), Labcorp
Classification: Uncertain significance for Evans syndrome, immunodeficiency, and premature immunosenescence associated with tripeptidyl-peptidase II deficiency. Last evaluated: 2022-06-15. Review status: criteria provided, single submitter. Criteria: Invitae Variant Classification Sherloc (09022015). Collection method: clinical testing. Allele origin: germline.
Comment: This variant has not been reported in the literature in individuals affected with TPP2-related conditions. In summary, the available evidence is currently insufficient to determine the role of this variant in disease. Therefore, it has been classified as a Variant of Uncertain Significance. Algorithms developed to predict the effect of sequence changes on RNA splicing suggest that this variant may create or strengthen a splice site. This variant is present in population databases (rs760707396, gnomAD 0.04%). This sequence change affects codon 493 of the TPP2 mRNA. It is a 'silent' change, meaning that it does not change the encoded amino acid sequence of the TPP2 protein.